The following is an entry in ClinVar:

NM_000548.5(TSC2):c.5266G>T (p.Glu1756Ter)

Gene: TSC2 (TSC complex subunit 2; plus strand). Cytogenetic location: 16p13.3.
Variant type: single nucleotide variant.
Coding change: c.5266G>T on transcript NM_000548.5 (MANE Select); coding-DNA position 5266, G replaced by T.
Protein change: p.Glu1756Ter; replaces glutamic acid 1756 with a stop codon.
Molecular consequence: nonsense.
Genome position (GRCh38, 1-based): chr16:2,088,452, G>T. VCF-style: chr16-2088452-G-T. GRCh37 (hg19) VCF-style: chr16-2138453-G-T.
Other names: c.5125G>T, p.Glu1709Ter (NM_001370405.1); c.5263G>T, p.Glu1755Ter (NM_001406663.1); c.5194G>T, p.Glu1732Ter (NM_001406664.1); c.4918G>T, p.Glu1640Ter (NM_001406679.1); c.4666G>T, p.Glu1556Ter (NM_001406680.1); c.4606G>T, p.Glu1536Ter (NM_001406681.1); c.4597G>T, p.Glu1533Ter (NM_001406682.1, NM_001406683.1); c.4594G>T, p.Glu1532Ter (NM_001406684.1); and 27 more; short protein forms E1241*, E1285*, E1532*, E1536*, E1556*, E1653*, E1689*, E1690*.
Identifiers: ClinVar variation 1746469 (VCV001746469.5), dbSNP rs375075952, ClinGen allele CA394315056.

ClinVar aggregate classification (germline): Uncertain significance. Review status: criteria provided, multiple submitters, no conflicts (2 of 4 stars). 2 submissions from 2 submitters: Uncertain significance (2). Last evaluated 2024-01-03.

Conditions:
Tuberous sclerosis 2 (TSC2). Identifiers: Orphanet 805, MedGen C1860707, MONDO:0013199, OMIM 613254.
Hereditary cancer-predisposing syndrome. Also called: Neoplastic Syndromes, Hereditary; Tumor predisposition; Hereditary Cancer Syndrome; Hereditary neoplastic syndrome. Identifiers: Orphanet 140162, MedGen C0027672, MeSH D009386, MONDO:0015356.

Submissions (2):

Labcorp Genetics (formerly Invitae), Labcorp
Classification: Uncertain significance for Tuberous sclerosis 2. Last evaluated: 2024-01-03. Review status: criteria provided, single submitter. Criteria: Invitae Variant Classification Sherloc (09022015). Collection method: clinical testing. Allele origin: germline.
Comment: This sequence change creates a premature translational stop signal (p.Glu1756*) in the TSC2 gene. While this is not anticipated to result in nonsense mediated decay, it is expected to disrupt the last 52 amino acid(s) of the TSC2 protein. This variant is not present in population databases (gnomAD no frequency). This variant has not been reported in the literature in individuals affected with TSC2-related conditions. ClinVar contains an entry for this variant (Variation ID: 1746469). Algorithms developed to predict the effect of sequence changes on RNA splicing suggest that this variant may disrupt the consensus splice site. This variant disrupts a region of the TSC2 protein in which other variant(s) (p.His1773Pro) have been observed in individuals with TSC2-related conditions (PMID: 10732801). This suggests that this is a clinically significant region of the protein, and that variants that disrupt it are likely to be disease-causing. In summary, the available evidence is currently insufficient to determine the role of this variant in disease. Therefore, it has been classified as a Variant of Uncertain Significance.

Ambry Genetics
Classification: Uncertain significance for Hereditary cancer-predisposing syndrome. Last evaluated: 2022-09-07. Review status: criteria provided, single submitter. Criteria: Ambry Variant Classification Scheme 2023. Collection method: clinical testing. Allele origin: germline.
Comment: The p.E1756* variant (also known as c.5266G>T), located in coding exon 41 of the TSC2 gene, results from a G to T substitution at nucleotide position 5266. This changes the amino acid from a glutamic acid to a stop codon within coding exon 41. This alteration occurs at the 3' terminus of theTSC2 gene, is not expected to trigger nonsense-mediated mRNAdecay, and only impacts the last 52 amino acids of the protein. The exact functional effect of this alteration is unknown. Since supporting evidence is limited at this time, the clinical significance of this alteration remains unclear.

Literature cited by the submitters: PubMed 10732801 (cited by Labcorp Genetics (formerly Invitae), Labcorp).